The following is an entry in ClinVar:

ClinVar aggregate classification (germline): Uncertain significance (1 of 4 stars; one submission).

Conditions:
Familial thoracic aortic aneurysm and aortic dissection (TAAD). Also called: Thoracic aortic aneurysms and dissections. Identifiers: Orphanet 91387, MedGen C4707243, MONDO:0019625.

Submission:

Ambry Genetics
Classification: Uncertain significance for Familial thoracic aortic aneurysm and aortic dissection. Last evaluated: 2026-04-16. Review status: criteria provided, single submitter. Criteria: Ambry Variant Classification Scheme 2023. Collection method: clinical testing. Allele origin: germline.
Comment: The p.Y577D variant (also known as c.1729T>G), located in coding exon 11 of the NOTCH1 gene, results from a T to G substitution at nucleotide position 1729. The tyrosine at codon 577 is replaced by aspartic acid, an amino acid with highly dissimilar properties. This amino acid position is well conserved in available vertebrate species. In addition, this alteration is predicted to be deleterious by in silico analysis. Based on the available evidence, the clinical significance of this variant remains unclear.

NM_017617.5(NOTCH1):c.1729T>G (p.Tyr577Asp)

Gene: NOTCH1 (notch receptor 1; minus strand). Cytogenetic location: 9q34.3.
Variant type: single nucleotide variant.
Coding change: c.1729T>G on transcript NM_017617.5 (MANE Select); coding-DNA position 1729, T replaced by G.
Protein change: p.Tyr577Asp; replaces tyrosine 577 with aspartic acid.
Molecular consequence: missense variant.
Genome position (GRCh38, 1-based): chr9:136,515,657, A>C on the plus strand (T>G on the coding strand, the complement: NOTCH1 is on the minus strand). VCF-style: chr9-136515657-A-C. GRCh37 (hg19) VCF-style: chr9-139410109-A-C.
Other names: short protein forms Y577D.
Identifiers: ClinVar variation 4861104 (VCV004861104.1).